The following is an entry in ClinVar:

ClinVar aggregate classification (germline): Uncertain significance. Review status: criteria provided, multiple submitters, no conflicts (2 of 4 stars). 3 submissions from 3 submitters: Uncertain significance (2). 1 of the submissions does not count toward it. Last evaluated 2026-01-31.

Conditions:
Hereditary cancer-predisposing syndrome. Also called: Hereditary neoplastic syndrome; Hereditary Cancer Syndrome; Neoplastic Syndromes, Hereditary; Tumor predisposition. Identifiers: Orphanet 140162, MedGen C0027672, MeSH D009386, MONDO:0015356.
Bloom syndrome (BLM). Also called: Bloom-Torre-Machacek syndrome. Identifiers: Orphanet 125, MedGen C0005859, MONDO:0008876, OMIM 210900.

Allele frequency attached by ClinVar (database versions not stated): TOPMed below 0.00001; gnomAD 0.00001; gnomAD exomes 0.00002.
gnomAD v4.1: 29 of 1,614,096 alleles (0.0018%); highest among the groups gnomAD compares: South Asian, 0.0022%; no homozygotes.

Submissions (3):

Labcorp Genetics (formerly Invitae), Labcorp
Classification: Uncertain significance for Bloom syndrome. Last evaluated: 2026-01-31. Review status: criteria provided, single submitter. Criteria: Invitae Variant Classification Sherloc (09022015). Collection method: clinical testing. Allele origin: germline.
Comment: This sequence change replaces aspartic acid, which is acidic and polar, with asparagine, which is neutral and polar, at codon 234 of the BLM protein (p.Asp234Asn). This variant is present in population databases (no rsID available, gnomAD 0.01%). This variant has not been reported in the literature in individuals affected with BLM-related conditions. ClinVar contains an entry for this variant (Variation ID: 236824). An algorithm developed to predict the effect of missense changes on protein structure and function (PolyPhen-2) suggests that this variant is likely to be tolerated. In summary, the available evidence is currently insufficient to determine the role of this variant in disease. Therefore, it has been classified as a Variant of Uncertain Significance.

Ambry Genetics
Classification: Uncertain significance for Hereditary cancer-predisposing syndrome. Last evaluated: 2024-05-07. Review status: criteria provided, single submitter. Criteria: Ambry Variant Classification Scheme 2023. Collection method: clinical testing. Allele origin: germline.
Comment: The p.D234N variant (also known as c.700G>A), located in coding exon 2 of the BLM gene, results from a G to A substitution at nucleotide position 700. The aspartic acid at codon 234 is replaced by asparagine, an amino acid with highly similar properties. This amino acid position is not well conserved in available vertebrate species. In addition, this alteration is predicted to be tolerated by in silico analysis. Since supporting evidence is limited at this time, the clinical significance of this alteration remains unclear.

Natera, Inc.
Classification: Uncertain significance for Bloom syndrome. Last evaluated: 2018-11-06. Review status: no assertion criteria provided. Collection method: clinical testing. Allele origin: germline. Not counted in ClinVar's aggregate classification.

NM_000057.4(BLM):c.700G>A (p.Asp234Asn)

Gene: BLM (BLM RecQ like helicase; plus strand). Cytogenetic location: 15q26.1.
Variant type: single nucleotide variant.
Coding change: c.700G>A on transcript NM_000057.4 (MANE Select); coding-DNA position 700, G replaced by A.
Protein change: p.Asp234Asn; replaces aspartic acid 234 with asparagine.
Molecular consequence: missense variant. On other transcripts: 5 prime UTR variant (1).
Genome position (GRCh38, 1-based): chr15:90,749,968, G>A. VCF-style: chr15-90749968-G-A. GRCh37 (hg19) VCF-style: chr15-91293198-G-A.
Other names: c.700G>A (LRG_20t1); c.700G>A, p.Asp234Asn (NM_001287246.2, NM_001287247.2); c.-592G>A (NM_001287248.2); short protein forms D234N.
Identifiers: ClinVar variation 236824 (VCV000236824.18), dbSNP rs878853555, ClinGen allele CA10583272.